The following is an entry in ClinVar:

NM_018136.5(ASPM):c.5974A>G (p.Ile1992Val)

Gene: ASPM (assembly factor for spindle microtubules; minus strand). Cytogenetic location: 1q31.3.
Variant type: single nucleotide variant.
Coding change: c.5974A>G on transcript NM_018136.5 (MANE Select); coding-DNA position 5974, A replaced by G.
Protein change: p.Ile1992Val; replaces isoleucine 1992 with valine.
Molecular consequence: missense variant. On other transcripts: intron variant (1).
Genome position (GRCh38, 1-based): chr1:197,103,277, T>C on the plus strand (A>G on the coding strand, the complement: ASPM is on the minus strand). VCF-style: chr1-197103277-T-C. GRCh37 (hg19) VCF-style: chr1-197072407-T-C.
Other names: c.4066-7113A>G (NM_001206846.2); short protein forms I1992V.
Identifiers: ClinVar variation 2099671 (VCV002099671.4), dbSNP rs754518048, ClinGen allele CA1309656.

ClinVar aggregate classification (germline): Uncertain significance (1 of 4 stars; one submission).

Allele frequency attached by ClinVar (database versions not stated): ExAC 0.00001; gnomAD exomes 0.00001.
gnomAD v4.1: 4 of 1,613,042 alleles (0.00025%); highest among the groups gnomAD compares: East Asian, 0.0089%; no homozygotes.

Submission:

Labcorp Genetics (formerly Invitae), Labcorp
Classification: Uncertain significance. Last evaluated: 2022-02-19. Review status: criteria provided, single submitter. Criteria: Invitae Variant Classification Sherloc (09022015). Collection method: clinical testing. Allele origin: germline.
Comment: This variant is present in population databases (rs754518048, gnomAD 0.01%). In summary, the available evidence is currently insufficient to determine the role of this variant in disease. Therefore, it has been classified as a Variant of Uncertain Significance. Algorithms developed to predict the effect of missense changes on protein structure and function output the following: SIFT: "Tolerated"; PolyPhen-2: "Benign"; Align-GVGD: "Class C0". The valine amino acid residue is found in multiple mammalian species, which suggests that this missense change does not adversely affect protein function. This variant has not been reported in the literature in individuals affected with ASPM-related conditions. This sequence change replaces isoleucine, which is neutral and non-polar, with valine, which is neutral and non-polar, at codon 1992 of the ASPM protein (p.Ile1992Val).